The following is an entry in ClinVar:

ClinVar aggregate classification (germline): Uncertain significance (1 of 4 stars; one submission).

Submission:

GeneDx
Classification: Uncertain significance. Last evaluated: 2026-09-22. Review status: criteria provided, single submitter. Criteria: GeneDx Variant Classification Process June 2021. Collection method: clinical testing. Allele origin: germline.
Comment: Not observed at significant frequency in large population cohorts (gnomAD); In silico analysis suggests that this missense variant does not alter protein structure/function; Has not been previously published as pathogenic or benign to our knowledge

NM_015021.3(ZNF292):c.5251G>A (p.Val1751Ile)

Gene: ZNF292 (zinc finger protein 292; plus strand). Cytogenetic location: 6q14.3.
Variant type: single nucleotide variant.
Coding change: c.5251G>A on transcript NM_015021.3 (MANE Select); coding-DNA position 5251, G replaced by A.
Protein change: p.Val1751Ile; replaces valine 1751 with isoleucine.
Molecular consequence: missense variant.
Genome position (GRCh38, 1-based): chr6:87,258,880, G>A. VCF-style: chr6-87258880-G-A. GRCh37 (hg19) VCF-style: chr6-87968598-G-A.
Other names: c.4831G>A, p.Val1611Ile (NM_001351444.2); short protein forms V1611I, V1751I.
Identifiers: ClinVar variation 2499687 (VCV002499687.2), dbSNP rs2482339657, ClinGen allele CA364931858.
Genomic context (GRCh38, chr6:87,258,880, plus strand): 5'-ATGGCTTTGAATTCATGCACAACTTCAATAAATTCTGATTTGCAGATTTCTGAAGACAAT[G>A]TTATACAAAACTTTGAAAAGACTCTTGAAATTATTAAAACTGCTATGAATTCTCAAATAC-3'
Protein context (NP_055836.1, residues 1741-1761): NSDLQISEDN[Val1751Ile]IQNFEKTLEI